The following is an entry in ClinVar:

ClinVar aggregate classification (germline): Likely pathogenic (1 of 4 stars; one submission).

Submission:

Labcorp Genetics (formerly Invitae), Labcorp
Classification: Likely pathogenic. Last evaluated: 2023-11-24. Review status: criteria provided, single submitter. Criteria: Invitae Variant Classification Sherloc (09022015). Collection method: clinical testing. Allele origin: germline.
Comment: This variant results in the deletion of part of exon 5 of the XPA gene. It is expected to disrupt RNA splicing. Variants that disrupt the donor or acceptor splice site typically lead to a loss of protein function (PMID: 16199547), and loss-of-function variants in XPA are known to be pathogenic (PMID: 27607234). Information on the frequency of this variant in the gnomAD database is not available, as this variant may be reported differently in the database. This variant has not been reported in the literature in individuals affected with XPA-related conditions. Experimental studies and prediction algorithms are not available or were not evaluated, and the effect of this variant on mRNA splicing is currently unknown. In summary, the currently available evidence indicates that the variant is pathogenic, but additional data are needed to prove that conclusively. Therefore, this variant has been classified as Likely Pathogenic.

Literature cited by the submitters: PubMed 16199547; PubMed 27607234.

NM_000380.4(XPA):c.556-1_556delinsCG

Gene: XPA (XPA, DNA damage recognition and repair factor; minus strand). Cytogenetic location: 9q22.33.
Variant type: Indel.
Coding change: c.556-1_556delinsCG on transcript NM_000380.4 (MANE Select); the canonical splice acceptor site of the intron before coding-DNA position 556 through coding-DNA position 556, GA replaced by CG.
Molecular consequence: splice acceptor variant.
Genome position (GRCh38, 1-based): chr9:97,685,040-97,685,041, TC replaced by CG on the plus strand (GA replaced by CG on the coding strand, the reverse complement: XPA is on the minus strand). VCF-style: chr9-97685040-TC-CG. GRCh37 (hg19) VCF-style: chr9-100447322-TC-CG.
Other names: c.430-1_430delinsCG (NM_001354975.2).
Identifiers: ClinVar variation 2729924 (VCV002729924.3), dbSNP rs2490215519, ClinGen allele CA2697557908.